The following is an entry in ClinVar:

ClinVar aggregate classification (germline): Uncertain significance (1 of 4 stars; one submission).

Submission:

Labcorp Genetics (formerly Invitae), Labcorp
Classification: Uncertain significance. Last evaluated: 2020-02-24. Review status: criteria provided, single submitter. Criteria: Invitae Variant Classification Sherloc (09022015). Collection method: clinical testing. Allele origin: germline.
Comment: In summary, the available evidence is currently insufficient to determine the role of this variant in disease. Therefore, it has been classified as a Variant of Uncertain Significance. Experimental studies and prediction algorithms are not available or were not evaluated, and the functional significance of this variant is currently unknown. This variant has not been reported in the literature in individuals with NR2E3-related conditions. This variant is not present in population databases (ExAC no frequency). This sequence change replaces alanine with serine at codon 321 of the NR2E3 protein (p.Ala321Ser). The alanine residue is highly conserved and there is a moderate physicochemical difference between alanine and serine.

NM_014249.4(NR2E3):c.961G>T (p.Ala321Ser)

Gene: NR2E3 (nuclear receptor subfamily 2 group E member 3; plus strand). Cytogenetic location: 15q23.
Variant type: single nucleotide variant.
Coding change: c.961G>T on transcript NM_014249.4 (MANE Select); coding-DNA position 961, G replaced by T.
Protein change: p.Ala321Ser; replaces alanine 321 with serine.
Molecular consequence: missense variant.
Genome position (GRCh38, 1-based): chr15:71,813,602, G>T. VCF-style: chr15-71813602-G-T. GRCh37 (hg19) VCF-style: chr15-72105943-G-T.
Other names: c.961G>T, p.Ala321Ser (NM_016346.4); short protein forms A321S.
Identifiers: ClinVar variation 848311 (VCV000848311.8), dbSNP rs2054204663, ClinGen allele CA393037869.
Genomic context (GRCh38, chr15:71,813,602, plus strand): 5'-CGTGTCCTGCAGGAAACTATCTCTCGGTTCCGGGCATTGGCGGTGGACCCCACGGAGTTT[G>T]CCTGCATGAAGGCCTTGGTCCTCTTCAAGCCAGGTAACTGAGTCTCTGCCCAAACCTTGA-3'
Protein context (NP_055064.1, residues 311-331): RALAVDPTEF[Ala321Ser]CMKALVLFKP